The following is an entry in ClinVar:

ClinVar aggregate classification (germline): Conflicting classifications of pathogenicity. Review status: criteria provided, conflicting classifications (1 of 4 stars). 5 submissions from 5 submitters: Pathogenic (1); Uncertain significance (4). Last evaluated 2025-08-28.

Conditions:
Hereditary cancer-predisposing syndrome. Also called: Hereditary neoplastic syndrome; Neoplastic Syndromes, Hereditary; Hereditary Cancer Syndrome; Tumor predisposition. Identifiers: Orphanet 140162, MedGen C0027672, MeSH D009386, MONDO:0015356.
RECON progeroid syndrome (RECON). Identifiers: MedGen C5830504, MONDO:0957266, OMIM 620370.

Submissions (5):

Labcorp Genetics (formerly Invitae), Labcorp
Classification: Uncertain significance. Last evaluated: 2025-08-28. Review status: criteria provided, single submitter. Criteria: Invitae Variant Classification Sherloc (09022015). Collection method: clinical testing. Allele origin: germline.
Comment: This sequence change creates a premature translational stop signal (p.Val41Serfs*14) in the RECQL gene. It is expected to result in an absent or disrupted protein product. However, the current clinical and genetic evidence is not sufficient to establish whether loss-of-function variants in RECQL cause disease. The frequency data for this variant in the population databases is considered unreliable, as metrics indicate poor data quality at this position in the gnomAD database. This premature translational stop signal has been observed in individual(s) with breast cancer and/or lung cancer (PMID: 28724667, 36113475). ClinVar contains an entry for this variant (Variation ID: 584824). In summary, the available evidence is currently insufficient to determine the role of this variant in disease. Therefore, it has been classified as a Variant of Uncertain Significance.

Fulgent Genetics
Classification: Uncertain significance for RECON progeroid syndrome. Last evaluated: 2024-05-22. Review status: criteria provided, single submitter. Criteria: ACMG Guidelines, 2015. Collection method: clinical testing. Allele origin: germline.

Blueprint Genetics
Classification: Uncertain significance. Last evaluated: 2024-05-13. Review status: criteria provided, single submitter. Criteria: ACMG Guidelines, 2015. Collection method: clinical testing. Allele origin: germline.

Ambry Genetics
Classification: Uncertain significance. Last evaluated: 2022-10-20. Review status: criteria provided, single submitter. Criteria: Ambry Variant Classification Scheme 2023. Collection method: clinical testing. Allele origin: germline.
Comment: The c.120dupA variant, located in coding exon 2 of the RECQL gene, results from a duplication of A at nucleotide position 120, causing a translational frameshift with a predicted alternate stop codon (p.V41Sfs*14). This alteration was detected in a cohort of 8085 consecutive unselected Chinese breast cancer patients who underwent multi-gene panel testing (Sun J et al. Clin. Cancer Res., 2017 Oct;23:6113-6119). This alteration is expected to result in premature protein truncation or nonsense-mediated mRNA decay. The evidence for this gene-disease relationship is limited; therefore, the clinical significance of this alteration is unclear.

Mendelics
Classification: Pathogenic for Hereditary cancer-predisposing syndrome. Last evaluated: 2018-07-02. Review status: criteria provided, single submitter. Criteria: Mendelics Assertion Criteria 2017. Collection method: clinical testing. Allele origin: unknown.

Literature cited by the submitters: PubMed 28724667 (cited by Labcorp Genetics (formerly Invitae), Labcorp and Ambry Genetics); PubMed 36113475 (cited by Labcorp Genetics (formerly Invitae), Labcorp); PubMed 32517021 (cited by Ambry Genetics).

NM_002907.4(RECQL):c.120dup (p.Val41fs)

Gene: RECQL (RecQ like helicase; minus strand). Cytogenetic location: 12p12.1.
Variant type: Duplication.
Coding change: c.120dup on transcript NM_002907.4 (MANE Select); coding-DNA position 120, one base duplicated (A; older notation c.120dupA).
Protein change: p.Val41fs; shifts the reading frame from valine 41.
Molecular consequence: frameshift variant.
Genome position (GRCh38, 1-based): chr12:21,491,613, T duplicated on the plus strand (A on the coding strand, the reverse complement: RECQL is on the minus strand); the first of 9 consecutive T bases (chr12:21,491,613-21,491,621); duplicating any one gives the same sequence. VCF-style (leftmost placement, unchanged base first): chr12-21491612-C-CT. GRCh37 (hg19) VCF-style: chr12-21644546-C-CT.
Other names: c.120dup, p.Val41fs (NM_032941.3); short protein forms V41fs.
Identifiers: ClinVar variation 584824 (VCV000584824.7), dbSNP rs745659712, ClinGen allele CA6479200.